The following is an entry in ClinVar:

ClinVar aggregate classification (germline): Likely benign. Review status: criteria provided, multiple submitters, no conflicts (2 of 4 stars). 3 submissions from 3 submitters: Likely benign (2). 1 of the submissions does not count toward it. Last evaluated 2025-06-24.

Conditions:
Inborn genetic diseases. Identifiers: MedGen C0950123, MeSH D030342.
CACNA1G-related disorder. Also called: CACNA1G-related condition; CACNA1G-related disorders.

Allele frequency attached by ClinVar (database versions not stated): ExAC 0.00003; gnomAD exomes 0.00001; gnomAD 0.00002.
gnomAD v4.1: 20 of 1,575,658 alleles (0.0013%); highest among the groups gnomAD compares: Admixed American, 0.0037%; no homozygotes.

Submissions (3):

Ambry Genetics
Classification: Likely benign for Inborn genetic diseases. Last evaluated: 2025-06-24. Review status: criteria provided, single submitter. Criteria: Ambry Variant Classification Scheme 2023. Collection method: clinical testing. Allele origin: germline.

Labcorp Genetics (formerly Invitae), Labcorp
Classification: Likely benign. Last evaluated: 2024-11-05. Review status: criteria provided, single submitter. Criteria: Invitae Variant Classification Sherloc (09022015). Collection method: clinical testing. Allele origin: germline.

PreventionGenetics, part of Exact Sciences
Classification: Likely benign for CACNA1G-related condition. Last evaluated: 2020-06-23. Review status: no assertion criteria provided. Collection method: clinical testing. Allele origin: germline. Not counted in ClinVar's aggregate classification.
Comment: This variant is classified as likely benign based on ACMG/AMP sequence variant interpretation guidelines (Richards et al. 2015 PMID: 25741868, with internal and published modifications).

NM_018896.5(CACNA1G):c.1048-8C>A

Gene: CACNA1G (calcium voltage-gated channel subunit alpha1 G; plus strand). Cytogenetic location: 17q21.33.
Variant type: single nucleotide variant.
Coding change: c.1048-8C>A on transcript NM_018896.5 (MANE Select); 8 bases into the intron before coding-DNA position 1048, C replaced by A.
Molecular consequence: intron variant.
Genome position (GRCh38, 1-based): chr17:50,573,013, C>A. VCF-style: chr17-50573013-C-A. GRCh37 (hg19) VCF-style: chr17-48650374-C-A.
Other names: c.1048-8C>A (NM_018896.4, NM_001256325.2, NM_198377.3 and 26 more transcripts).
Identifiers: ClinVar variation 2051108 (VCV002051108.7), dbSNP rs767058346, ClinGen allele CA8652093.
Genomic context (GRCh38, chr17:50,573,013, plus strand): 5'-GGCCTCTGGAGGAGACTGAAGGAGGATTTGGTGGGCCCATAGTCAGCCTGCCCCTCTGCA[C>A]CCCCTAGGTCATCACGCTGGAGGGCTGGGTCGACATCATGTACTTTGTGATGGATGCTCA-3'